The following is an entry in ClinVar:

NM_016222.4(DDX41):c.31G>T (p.Ala11Ser)

Gene: DDX41 (DEAD-box helicase 41; minus strand). Cytogenetic location: 5q35.3.
Variant type: single nucleotide variant.
Coding change: c.31G>T on transcript NM_016222.4 (MANE Select); coding-DNA position 31, G replaced by T.
Protein change: p.Ala11Ser; replaces alanine 11 with serine.
Molecular consequence: missense variant. On other transcripts: 5 prime UTR variant (2).
Genome position (GRCh38, 1-based): chr5:177,516,832, C>A on the plus strand (G>T on the coding strand, the complement: DDX41 is on the minus strand). VCF-style: chr5-177516832-C-A. GRCh37 (hg19) VCF-style: chr5-176943833-C-A.
Other names: c.-625G>T (NM_001321732.2); c.-417G>T (NM_001321830.2); short protein forms A11S.
Identifiers: ClinVar variation 3839076 (VCV003839076.1).

ClinVar aggregate classification (germline): Uncertain significance (1 of 4 stars; one submission).

Conditions:
Inborn genetic diseases. Identifiers: MedGen C0950123, MeSH D030342.

gnomAD v4.1: 1 of 1,612,800 alleles (0.000062%); highest among the groups gnomAD compares: Non-Finnish European, 0.000085%; no homozygotes.

Submission:

Ambry Genetics
Classification: Uncertain significance for Inborn genetic diseases. Last evaluated: 2025-03-10. Review status: criteria provided, single submitter. Criteria: Ambry Variant Classification Scheme 2023. Collection method: clinical testing. Allele origin: germline.
Comment: The p.A11S variant (also known as c.31G>T), located in coding exon 2 of the DDX41 gene, results from a G to T substitution at nucleotide position 31. The alanine at codon 11 is replaced by serine, an amino acid with similar properties. This amino acid position is conserved. In addition, this alteration is predicted to be tolerated by in silico analysis. Based on the available evidence, the clinical significance of this variant remains unclear.